The following is an entry in ClinVar:

NM_000277.3(PAH):c.1033G>A (p.Ala345Thr)

Gene: PAH (phenylalanine hydroxylase; minus strand). Cytogenetic location: 12q23.2.
Variant type: single nucleotide variant.
Coding change: c.1033G>A on transcript NM_000277.3 (MANE Select); coding-DNA position 1033, G replaced by A.
Protein change: p.Ala345Thr; replaces alanine 345 with threonine.
Molecular consequence: missense variant.
Genome position (GRCh38, 1-based): chr12:102,844,368, C>T on the plus strand (G>A on the coding strand, the complement: PAH is on the minus strand). VCF-style: chr12-102844368-C-T. GRCh37 (hg19) VCF-style: chr12-103238146-C-T.
Other names: NM_000277.2(PAH):c.1033G>A; c.1033G>A (NM_000277.2); c.1033G>A, p.Ala345Thr (NM_001354304.2); short protein forms A345T.
Identifiers: ClinVar variation 102483 (VCV000102483.12), dbSNP rs62516062, ClinGen allele CA229291.
Genomic context (GRCh38, chr12:102,844,368, plus strand): 5'-CTATCCTTGGTTCCTGTGAAGGTCATACCTGTAATTCACCAAAGGATGACAGGAGCCCAG[C>T]ACCATATGCCTTTATGGAGTCTCCTTGTTTGCAGAGCCCAAACTCCACAGTAAACCAGTA-3'
Protein context (NP_000268.1, residues 335-355): KQGDSIKAYG[Ala345Thr]GLLSSFGELQ

ClinVar aggregate classification (germline): Likely pathogenic. Review status: reviewed by expert panel (3 of 4 stars). 8 submissions from 8 submitters: Likely pathogenic (1). 7 of the submissions do not count toward it. Last evaluated 2018-08-10.

Conditions:
Phenylketonuria (PKU). Also called: Phenylketonurias; OLIGOPHRENIA PHENYLPYRUVICA; FOLLING DISEASE; Phenylketonuria (PKU). Identifiers: Orphanet 716, MedGen C0031485, MONDO:0009861, OMIM 261600. Disease mechanism: loss of function.

gnomAD v4.1: 3 of 1,613,724 alleles (0.00019%); highest among the groups gnomAD compares: Non-Finnish European, 0.00025%; no homozygotes.

Submissions (8):

ClinGen PAH Variant Curation Expert Panel
Classification: Likely pathogenic for Phenylketonuria. Last evaluated: 2018-08-10. Review status: reviewed by expert panel. Criteria: ClinGen PAH ACMG Specifications v1. Collection method: curation. Allele origin: germline. Inheritance: Autosomal recessive inheritance.
Comment: PAH-specific ACMG/AMP criteria applied: PM2: Absent from controls in ExaC, 100 Genomes, ESP, and gnomAD; PP3: Deleterious effected predicted by SIFT, Polyphen2, and MutationTaster; PM5: A345S (Variant ID 102484) predicted pathogenic in ClinVar; PP4_Moderate: Found in two individuals with Classic PKU on exon 10.Urinary pterin analysis and dihydropteridine reductase (DHPR) assay were performed t (PMID:15503242); PM3: Found in trans with R243Q (pathogenic in ClinVar). (PMID:15503242). In summary this variant meets criteria to be classified as likely pathogenic for phenylketonuria in an autosomal recessive manner based on the ACMG/AMP criteria applied as specified by the PAH Expert Panel: (PM2, PP3, PM5, PP4_Moderate, PM3).

Natera, Inc.
Classification: Pathogenic for Phenylketonuria. Last evaluated: 2025-12-29. Review status: criteria provided, single submitter. Criteria: Natera Variant Classification Schema (03/2026). Collection method: clinical testing. Allele origin: germline. Not counted in ClinVar's aggregate classification.
Comment: The c.1033G>A variant in PAH is a missense variant predicted to cause substitution of alanine to threonine at amino acid 345. This variant is rare in the general population with a frequency below the threshold expected for the associated phenotype(s). This variant has been observed in one or more individuals affected with the associated recessive disease, as either homozygous or compound heterozygous with a second variant (PMID: 15503242, 8019568). Functional studies show that this variant may disrupt protein function (PMID: 8019568). This variant is located in a functionally critical region of the protein. A different variant at the same position has been determined to be Pathogenic or Likely Pathogenic. Computational prediction algorithms indicate this variant is likely to affect gene or protein function. Given the available evidence, this variant is classified as Pathogenic.

Myriad Genetics, Inc.
Classification: Pathogenic for Phenylketonuria. Last evaluated: 2025-01-24. Review status: criteria provided, single submitter. Criteria: Myriad Autosomal Dominant, Autosomal Recessive and X-Linked Classification Criteria (2023). Collection method: clinical testing. Allele origin: unknown. Not counted in ClinVar's aggregate classification.
Comment: NM_000277.1(PAH):c.1033G>A(A345T) is a missense variant classified as pathogenic in the context of phenylalanine hydroxylase deficiency. A345T has been observed in cases with relevant disease (PMID: 26600521, 32668217, 32893076, 30050108, 30459323, 26322415, 23932990, 36849017, 38105685, 29499199, 33564846, 15503242). Relevant functional assessments of this variant are not available in the literature. A345T has not been observed in referenced population frequency databases. In summary, NM_000277.1(PAH):c.1033G>A(A345T) is a missense variant that has been observed more frequently in cases with the relevant disease than in healthy populations. Please note: this variant was assessed in the context of healthy population screening.

Labcorp Genetics (formerly Invitae), Labcorp
Classification: Pathogenic for Phenylketonuria. Last evaluated: 2023-06-16. Review status: criteria provided, single submitter. Criteria: Invitae Variant Classification Sherloc (09022015). Collection method: clinical testing. Allele origin: germline. Not counted in ClinVar's aggregate classification.
Comment: For these reasons, this variant has been classified as Pathogenic. This variant disrupts the p.Ala345 amino acid residue in PAH. Other variant(s) that disrupt this residue have been determined to be pathogenic (PMID: 17502162, 23430918, 24368688). This suggests that this residue is clinically significant, and that variants that disrupt this residue are likely to be disease-causing. Advanced modeling of protein sequence and biophysical properties (such as structural, functional, and spatial information, amino acid conservation, physicochemical variation, residue mobility, and thermodynamic stability) performed at Invitae indicates that this missense variant is expected to disrupt PAH protein function. ClinVar contains an entry for this variant (Variation ID: 102483). This missense change has been observed in individual(s) with hyperphenylalaninemia (PMID: 15503242, 29499199, 32668217). This variant is not present in population databases (gnomAD no frequency). This sequence change replaces alanine, which is neutral and non-polar, with threonine, which is neutral and polar, at codon 345 of the PAH protein (p.Ala345Thr).

Baylor Genetics
Classification: Pathogenic for Phenylketonuria. Last evaluated: 2022-08-30. Review status: criteria provided, single submitter. Criteria: ACMG Guidelines, 2015. Collection method: clinical testing. Allele origin: unknown. Not counted in ClinVar's aggregate classification.

Soonchunhyang University Bucheon Hospital, Soonchunhyang University Medical Center
Classification: Uncertain significance for Phenylketonuria. Last evaluated: 2016-03-18. Review status: criteria provided, single submitter. Criteria: ACMG Guidelines, 2015. Collection method: reference population. Allele origin: germline. Observed: 1 variant allele. Not counted in ClinVar's aggregate classification.

Juno Genomics, Hangzhou Juno Genomics, Inc
Classification: Likely pathogenic for Phenylketonuria. Review status: criteria provided, single submitter. Criteria: ACMG Guidelines, 2015. Collection method: clinical testing. Allele origin: germline. Not counted in ClinVar's aggregate classification.
Comment: Absent from controls (or at extremely low frequency if recessive) in Genome Aggregation Database.;Multiple lines of computational evidence support a deleterious effect on the gene or gene product.;For recessive disorders, detected in trans with a pathogenic variant.;Patient's phenotype or family history is highly specific for a disease with a single genetic etiology.;Novel missense change at an amino acid residue where a different missense change determined to be pathogenic has been seen before.

DeBelle Laboratory for Biochemical Genetics, MUHC/MCH RESEARCH INSTITUTE
No classification provided. Review status: no classification provided. Collection method: not provided. Allele origin: not provided. Not counted in ClinVar's aggregate classification.

Literature cited by the submitters: PubMed 15503242 (cited by 4 submitters); PubMed 8019568 (cited by Natera, Inc.); PubMed 23932990 (cited by Myriad Genetics, Inc.); PubMed 26322415 (cited by Myriad Genetics, Inc.); PubMed 26600521 (cited by Myriad Genetics, Inc.); PubMed 29499199 (cited by Myriad Genetics, Inc. and Labcorp Genetics (formerly Invitae), Labcorp); PubMed 30050108 (cited by Myriad Genetics, Inc.); PubMed 30459323 (cited by Myriad Genetics, Inc.); PubMed 32668217 (cited by Myriad Genetics, Inc. and Labcorp Genetics (formerly Invitae), Labcorp); PubMed 32893076 (cited by Myriad Genetics, Inc.); PubMed 33564846 (cited by Myriad Genetics, Inc.); PubMed 36849017 (cited by Myriad Genetics, Inc.); PubMed 38105685 (cited by Myriad Genetics, Inc.); PubMed 17502162 (cited by Labcorp Genetics (formerly Invitae), Labcorp); PubMed 23430918 (cited by Labcorp Genetics (formerly Invitae), Labcorp); PubMed 24368688 (cited by Labcorp Genetics (formerly Invitae), Labcorp); PubMed 1301187 (cited by Soonchunhyang University Bucheon Hospital, Soonchunhyang University Medical Center).